The following is an entry in ClinVar:

ClinVar aggregate classification (germline): Uncertain significance (1 of 4 stars; one submission).

Allele frequency attached by ClinVar (database versions not stated): gnomAD exomes below 0.00001.

Submission:

Labcorp Genetics (formerly Invitae), Labcorp
Classification: Uncertain significance. Last evaluated: 2022-09-26. Review status: criteria provided, single submitter. Criteria: Invitae Variant Classification Sherloc (09022015). Collection method: clinical testing. Allele origin: germline.
Comment: In summary, the available evidence is currently insufficient to determine the role of this variant in disease. Therefore, it has been classified as a Variant of Uncertain Significance. Algorithms developed to predict the effect of missense changes on protein structure and function output the following: SIFT: "Not Available"; PolyPhen-2: "Benign"; Align-GVGD: "Not Available". The valine amino acid residue is found in multiple mammalian species, which suggests that this missense change does not adversely affect protein function. ClinVar contains an entry for this variant (Variation ID: 1362629). This variant has not been reported in the literature in individuals affected with LCT-related conditions. This variant is not present in population databases (gnomAD no frequency). This sequence change replaces methionine, which is neutral and non-polar, with valine, which is neutral and non-polar, at codon 1724 of the LCT protein (p.Met1724Val).

NM_002299.4(LCT):c.5170A>G (p.Met1724Val)

Gene: LCT (lactase; minus strand). Cytogenetic location: 2q21.3.
Variant type: single nucleotide variant.
Coding change: c.5170A>G on transcript NM_002299.4 (MANE Select); coding-DNA position 5170, A replaced by G.
Protein change: p.Met1724Val; replaces methionine 1724 with valine.
Molecular consequence: missense variant.
Genome position (GRCh38, 1-based): chr2:135,790,823, T>C on the plus strand (A>G on the coding strand, the complement: LCT is on the minus strand). VCF-style: chr2-135790823-T-C. GRCh37 (hg19) VCF-style: chr2-136548393-T-C.
Other names: short protein forms M1724V.
Identifiers: ClinVar variation 1362629 (VCV001362629.8), dbSNP rs2105517283, ClinGen allele CA348589343.